The following is an entry in ClinVar:

NM_004260.4(RECQL4):c.1505T>G (p.Leu502Arg)

Gene: RECQL4 (RecQ like helicase 4; minus strand). Cytogenetic location: 8q24.3.
Variant type: single nucleotide variant.
Coding change: c.1505T>G on transcript NM_004260.4 (MANE Select); coding-DNA position 1505, T replaced by G.
Protein change: p.Leu502Arg; replaces leucine 502 with arginine.
Molecular consequence: missense variant. On other transcripts: non-coding transcript variant (3), intron variant (2).
Genome position (GRCh38, 1-based): chr8:144,515,051, A>C on the plus strand (T>G on the coding strand, the complement: RECQL4 is on the minus strand). VCF-style: chr8-144515051-A-C. GRCh37 (hg19) VCF-style: chr8-145740435-A-C.
Other names: c.1505T>G (NM_004260.3); c.1409T>G, p.Leu470Arg (NM_001413017.1, NM_001413020.1); c.1505T>G, p.Leu502Arg (NM_001413018.1, NM_001413019.1, NM_001413033.1 and 1 more transcripts); c.434T>G, p.Leu145Arg (NM_001413021.1, NM_001413022.1, NM_001413023.1 and 7 more transcripts); c.1376T>G, p.Leu459Arg (NM_001413025.1); c.368T>G, p.Leu123Arg (NM_001413027.1, NM_001413030.1, NM_001413031.1 and 2 more transcripts); c.1154T>G, p.Leu385Arg (NM_001413029.1); c.38T>G, p.Leu13Arg (NM_001413043.1); and 2 more; short protein forms L459R, L470R, L502R, L123R, L385R, L13R, L145R.
Identifiers: ClinVar variation 2903036 (VCV002903036.4), dbSNP rs2538056297, ClinGen allele CA372684192.

ClinVar aggregate classification (germline): Uncertain significance. Review status: criteria provided, multiple submitters, no conflicts (2 of 4 stars). 2 submissions from 2 submitters: Uncertain significance (2). Last evaluated 2025-08-04.

Conditions:
Baller-Gerold syndrome (BGS). Also called: CRANIOSYNOSTOSIS WITH RADIAL DEFECTS. Identifiers: Orphanet 1225, MedGen C0265308, MONDO:0009039, OMIM 218600.
Inborn genetic diseases. Identifiers: MedGen C0950123, MeSH D030342.

gnomAD v4.1: 1 of 1,609,010 alleles (0.000062%); highest among the groups gnomAD compares: Non-Finnish European, 0.000085%; no homozygotes.

Submissions (2):

Ambry Genetics
Classification: Uncertain significance for Inborn genetic diseases. Last evaluated: 2025-08-04. Review status: criteria provided, single submitter. Criteria: Ambry Variant Classification Scheme 2023. Collection method: clinical testing. Allele origin: germline.
Comment: The p.L502R variant (also known as c.1505T>G), located in coding exon 9 of the RECQL4 gene, results from a T to G substitution at nucleotide position 1505. The leucine at codon 502 is replaced by arginine, an amino acid with dissimilar properties. This amino acid position is conserved. In addition, this alteration is predicted to be deleterious by in silico analysis. Based on the available evidence, the clinical significance of this variant remains unclear.

Labcorp Genetics (formerly Invitae), Labcorp
Classification: Uncertain significance for Baller-Gerold syndrome. Last evaluated: 2023-09-18. Review status: criteria provided, single submitter. Criteria: Invitae Variant Classification Sherloc (09022015). Collection method: clinical testing. Allele origin: germline.
Comment: In summary, the available evidence is currently insufficient to determine the role of this variant in disease. Therefore, it has been classified as a Variant of Uncertain Significance. Algorithms developed to predict the effect of sequence changes on RNA splicing suggest that this variant may disrupt the consensus splice site. Advanced modeling of protein sequence and biophysical properties (such as structural, functional, and spatial information, amino acid conservation, physicochemical variation, residue mobility, and thermodynamic stability) performed at Invitae indicates that this missense variant is expected to disrupt RECQL4 protein function. This variant has not been reported in the literature in individuals affected with RECQL4-related conditions. This variant is not present in population databases (gnomAD no frequency). This sequence change replaces leucine, which is neutral and non-polar, with arginine, which is basic and polar, at codon 502 of the RECQL4 protein (p.Leu502Arg).